The following is an entry in ClinVar:

NM_000244.4(MEN1):c.-56C>T

Gene: MEN1 (menin 1; minus strand). Cytogenetic location: 11q13.1.
Variant type: single nucleotide variant.
Coding change: c.-56C>T on transcript NM_000244.4; 56 bases upstream of the start codon, C replaced by T.
Molecular consequence: 5 prime UTR variant. On other transcripts: intron variant (2).
Genome position (GRCh38, 1-based): chr11:64,810,662, G>A on the plus strand (C>T on the coding strand, the complement: MEN1 is on the minus strand). VCF-style: chr11-64810662-G-A. GRCh37 (hg19) VCF-style: chr11-64578134-G-A.
Other names: c.-56C>T (NM_001407144.1, NM_001407148.1, NM_130799.3); c.-24+152C>T (NM_130804.3, NM_130803.3).
Identifiers: ClinVar variation 4882643 (VCV004882643.2).

ClinVar aggregate classification (germline): Uncertain significance (1 of 4 stars; one submission).

Conditions:
Multiple endocrine neoplasia, type 1 (MEN1). Also called: MEA I; MEN I; WERMER SYNDROME; Endocrine adenomatosis multiple; MEN 1. Identifiers: Orphanet 652, MedGen C0025267, MeSH D018761, MONDO:0007540, OMIM 131100.

gnomAD v4.1: 7 of 154,282 alleles (0.0045%); highest among the groups gnomAD compares: Non-Finnish European, 0.01%; no homozygotes.

Submission:

Dasa
Classification: Uncertain significance for Multiple endocrine neoplasia, type 1. Last evaluated: 2025-11-17. Review status: criteria provided, single submitter. Criteria: DASA Assertion Criteria. Collection method: clinical testing. Allele origin: germline.
Comment: NM_000244.3(MEN1):c.-56C>T is an intronic variant. This variant is rare in population databases. Computational prediction algorithms are consistent with a deleterious effect. The currently available literature and clinical evidence are not sufficient to establish a definitive association between this variant and the reported condition. Therefore, this variant is classified as a variant of uncertain significance.